The following is an entry in ClinVar:

NM_003742.4(ABCB11):c.2739A>G (p.Leu913=)

Genes: ABCB11 (ATP binding cassette subfamily B member 11; minus strand), LOC126806400 (CDK7 strongly-dependent group 2 enhancer GRCh37_chr2:169791870-169793069; plus strand). Cytogenetic location: 2q31.1.
Variant type: single nucleotide variant.
Coding change: c.2739A>G on transcript NM_003742.4 (MANE Select); coding-DNA position 2739, A replaced by G.
Protein change: p.Leu913=; no amino-acid change (leucine 913 retained).
Molecular consequence: synonymous variant.
Genome position (GRCh38, 1-based): chr2:168,936,305, T>C on the plus strand (A>G on the coding strand, the complement: ABCB11 is on the minus strand). VCF-style: chr2-168936305-T-C. GRCh37 (hg19) VCF-style: chr2-169792815-T-C.
Other names: c.2739A>G (NM_003742.2).
Identifiers: ClinVar variation 1926324 (VCV001926324.7), dbSNP rs775098358, ClinGen allele CA1951203.

ClinVar aggregate classification (germline): Likely benign. Review status: criteria provided, single submitter (1 of 4 stars). 2 submissions from 2 submitters: Likely benign (1). 1 of the submissions does not count toward it. Last evaluated 2023-05-02.

Conditions:
ABCB11-related disorder. Also called: ABCB11-related condition.

Allele frequency attached by ClinVar (database versions not stated): ExAC 0.00001; gnomAD exomes 0.00001.
gnomAD v4.1: 3 of 1,613,896 alleles (0.00019%); highest among the groups gnomAD compares: Non-Finnish European, 0.00025%; no homozygotes.

Submissions (2):

Labcorp Genetics (formerly Invitae), Labcorp
Classification: Likely benign. Last evaluated: 2023-05-02. Review status: criteria provided, single submitter. Criteria: Invitae Variant Classification Sherloc (09022015). Collection method: clinical testing. Allele origin: germline.

PreventionGenetics, part of Exact Sciences
Classification: Likely benign for ABCB11-related condition. Last evaluated: 2023-07-19. Review status: no assertion criteria provided. Collection method: clinical testing. Allele origin: germline. Not counted in ClinVar's aggregate classification.
Comment: This variant is classified as likely benign based on ACMG/AMP sequence variant interpretation guidelines (Richards et al. 2015 PMID: 25741868, with internal and published modifications).